The following is an entry in ClinVar:

NM_000170.3(GLDC):c.600del (p.Thr201fs)

Gene: GLDC (glycine decarboxylase; minus strand). Cytogenetic location: 9p24.1.
Variant type: Deletion.
Coding change: c.600del on transcript NM_000170.3 (MANE Select); coding-DNA position 600, one base deleted (G; older notation c.600delG).
Protein change: p.Thr201fs; shifts the reading frame from threonine 201.
Molecular consequence: frameshift variant.
Genome position (GRCh38, 1-based): chr9:6,610,227, C deleted on the plus strand (G on the coding strand, the reverse complement: GLDC is on the minus strand); the first of 4 consecutive C bases (chr9:6,610,227-6,610,230); deleting any one gives the same sequence. VCF-style (leftmost placement, unchanged base first): chr9-6610226-TC-T. GRCh37 (hg19) VCF-style: chr9-6610226-TC-T.
Other names: short protein forms T201fs.
Identifiers: ClinVar variation 1454794 (VCV001454794.7), dbSNP rs2129916293, ClinGen allele CA891834499.

ClinVar aggregate classification (germline): Pathogenic (1 of 4 stars; one submission).

Conditions:
Glycine encephalopathy. Also called: Non-ketotic hyperglycinemia; Nonketotic hyperglycinemia. Identifiers: Orphanet 407, MedGen C0751748, MONDO:0011612, HP:0008288.

Submission:

Labcorp Genetics (formerly Invitae), Labcorp
Classification: Pathogenic for Glycine encephalopathy. Last evaluated: 2021-06-28. Review status: criteria provided, single submitter. Criteria: Invitae Variant Classification Sherloc (09022015). Collection method: clinical testing. Allele origin: germline.
Comment: This sequence change creates a premature translational stop signal (p.Thr201Leufs*30) in the GLDC gene. It is expected to result in an absent or disrupted protein product. Loss-of-function variants in GLDC are known to be pathogenic (PMID: 16601880). This variant is not present in population databases (ExAC no frequency). This premature translational stop signal has been observed in individual(s) with glycine encephalopathy (PMID: 27362913). For these reasons, this variant has been classified as Pathogenic.

Literature cited by the submitters: PubMed 16601880; PubMed 27362913.